The following is an entry in ClinVar:

NM_030962.4(SBF2):c.3016C>T (p.Pro1006Ser)

Genes: SBF2 (SET binding factor 2; minus strand), LOC101928008 (uncharacterized LOC101928008; plus strand). Cytogenetic location: 11p15.4.
Variant type: single nucleotide variant.
Coding change: c.3016C>T on transcript NM_030962.4 (MANE Select); coding-DNA position 3016, C replaced by T.
Protein change: p.Pro1006Ser; replaces proline 1006 with serine.
Molecular consequence: missense variant.
Genome position (GRCh38, 1-based): chr11:9,845,659, G>A on the plus strand (C>T on the coding strand, the complement: SBF2 is on the minus strand). VCF-style: chr11-9845659-G-A. GRCh37 (hg19) VCF-style: chr11-9867206-G-A.
Other names: c.3016C>T, p.Pro1006Ser (NM_001386339.1); c.2887C>T, p.Pro963Ser (NM_001386342.1); short protein forms P1006S, P963S.
Identifiers: ClinVar variation 306588 (VCV000306588.14), dbSNP rs886048781, ClinGen allele CA10631802.

ClinVar aggregate classification (germline): Uncertain significance. Review status: criteria provided, multiple submitters, no conflicts (2 of 4 stars). 2 submissions from 2 submitters: Uncertain significance (2). Last evaluated 2019-10-10.

Conditions:
Charcot-Marie-Tooth disease type 4. Also called: Charcot-Marie-Tooth disease, type IV; Charcot-Marie-Tooth, Type 4. Identifiers: Orphanet 64749, MedGen C4082197, MONDO:0018995.
Charcot-Marie-Tooth disease type 4B2. Also called: Charcot-Marie-Tooth Neuropathy Type 4B2; CHARCOT-MARIE-TOOTH DISEASE, WITH FOCALLY FOLDED MYELIN SHEATHS, AUTOSOMAL RECESSIVE, TYPE 4B2; CMT 4B2; CHARCOT-MARIE-TOOTH DISEASE, DEMYELINATING, TYPE 4B2. Identifiers: Orphanet 99956, MedGen C1858278, MONDO:0011475, OMIM 604563.

gnomAD v4.1: 4 of 1,613,882 alleles (0.00025%); highest among the groups gnomAD compares: Non-Finnish European, 0.00025%; no homozygotes.

Submissions (2):

Labcorp Genetics (formerly Invitae), Labcorp
Classification: Uncertain significance for Charcot-Marie-Tooth disease type 4. Last evaluated: 2019-10-10. Review status: criteria provided, single submitter. Criteria: Invitae Variant Classification Sherloc (09022015). Collection method: clinical testing. Allele origin: germline.
Comment: This sequence change replaces proline with serine at codon 1006 of the SBF2 protein (p.Pro1006Ser). The proline residue is highly conserved and there is a moderate physicochemical difference between proline and serine. This variant is not present in population databases (ExAC no frequency). This variant has not been reported in the literature in individuals with SBF2-related conditions. ClinVar contains an entry for this variant (Variation ID: 306588). Algorithms developed to predict the effect of missense changes on protein structure and function are either unavailable or do not agree on the potential impact of this missense change (SIFT: "Tolerated"; PolyPhen-2: "Probably Damaging"; Align-GVGD: "Class C0"). In summary, the available evidence is currently insufficient to determine the role of this variant in disease. Therefore, it has been classified as a Variant of Uncertain Significance.

Illumina Laboratory Services, Illumina
Classification: Uncertain significance for Charcot-Marie-Tooth disease type 4B2. Last evaluated: 2018-01-12. Review status: criteria provided, single submitter. Criteria: ICSL Variant Classification Criteria 13 December 2019. Collection method: clinical testing. Allele origin: germline.